The following is an entry in ClinVar:

NM_004304.5(ALK):c.1517T>C (p.Leu506Pro)

Gene: ALK (ALK receptor tyrosine kinase; minus strand). Cytogenetic location: 2p23.2.
Variant type: single nucleotide variant.
Coding change: c.1517T>C on transcript NM_004304.5 (MANE Select); coding-DNA position 1517, T replaced by C.
Protein change: p.Leu506Pro; replaces leucine 506 with proline.
Molecular consequence: missense variant.
Genome position (GRCh38, 1-based): chr2:29,320,780, A>G on the plus strand (T>C on the coding strand, the complement: ALK is on the minus strand). VCF-style: chr2-29320780-A-G. GRCh37 (hg19) VCF-style: chr2-29543646-A-G.
Other names: short protein forms L506P.
Identifiers: ClinVar variation 538198 (VCV000538198.13), dbSNP rs762569153, ClinGen allele CA1594633.

ClinVar aggregate classification (germline): Uncertain significance. Review status: criteria provided, multiple submitters, no conflicts (2 of 4 stars). 4 submissions from 4 submitters: Uncertain significance (4). Last evaluated 2026-01-19.

Conditions:
Neuroblastoma, susceptibility to, 3. Also called: ALK-Related Neuroblastic Tumor Susceptibility. Identifiers: Orphanet 635, MedGen C2751681, MONDO:0013083, OMIM 613014.
Familial isolated pituitary adenoma. Identifiers: Orphanet 314777, MedGen C2676191, MONDO:0017824.
Hereditary cancer-predisposing syndrome. Also called: Neoplastic Syndromes, Hereditary; Tumor predisposition; Hereditary Cancer Syndrome; Hereditary neoplastic syndrome. Identifiers: Orphanet 140162, MedGen C0027672, MeSH D009386, MONDO:0015356.

Allele frequency attached by ClinVar (database versions not stated): gnomAD exomes 0.00001; ExAC 0.00002.
gnomAD v4.1: 5 of 1,614,038 alleles (0.00031%); highest among the groups gnomAD compares: Non-Finnish European, 0.00042%; no homozygotes.

Submissions (4):

Labcorp Genetics (formerly Invitae), Labcorp
Classification: Uncertain significance for Neuroblastoma, susceptibility to, 3. Last evaluated: 2026-01-19. Review status: criteria provided, single submitter. Criteria: Invitae Variant Classification Sherloc (09022015). Collection method: clinical testing. Allele origin: germline.
Comment: This sequence change replaces leucine, which is neutral and non-polar, with proline, which is neutral and non-polar, at codon 506 of the ALK protein (p.Leu506Pro). This variant is not present in population databases (gnomAD no frequency). This variant has not been reported in the literature in individuals affected with ALK-related conditions. ClinVar contains an entry for this variant (Variation ID: 538198). An algorithm developed to predict the effect of missense changes on protein structure and function (PolyPhen-2) suggests that this variant is likely to be tolerated. In summary, the available evidence is currently insufficient to determine the role of this variant in disease. Therefore, it has been classified as a Variant of Uncertain Significance.

Ambry Genetics
Classification: Uncertain significance for Hereditary cancer-predisposing syndrome. Last evaluated: 2025-01-31. Review status: criteria provided, single submitter. Criteria: Ambry Variant Classification Scheme 2023. Collection method: clinical testing. Allele origin: germline.
Comment: The p.L506P variant (also known as c.1517T>C), located in coding exon 7 of the ALK gene, results from a T to C substitution at nucleotide position 1517. The leucine at codon 506 is replaced by proline, an amino acid with similar properties. This amino acid position is conserved. In addition, this alteration is predicted to be tolerated by in silico analysis. Based on the available evidence, the clinical significance of this variant remains unclear.

Baylor Genetics
Classification: Uncertain significance for Neuroblastoma, susceptibility to, 3. Last evaluated: 2023-09-28. Review status: criteria provided, single submitter. Criteria: ACMG Guidelines, 2015. Collection method: clinical testing. Allele origin: unknown.

St. Jude Molecular Pathology, St. Jude Children's Research Hospital
Classification: Uncertain significance for Familial isolated pituitary adenoma. Last evaluated: 2021-09-16. Review status: criteria provided, single submitter. Criteria: St. Jude Assertion Criteria 2020. Collection method: clinical testing. Allele origin: germline.
Comment: The ALK c.1517T>C (p.Leu506Pro) missense change is absent in gnomAD v2.1.1, however this data may be unreliable due to poor data quality at this location. Six of six in silico tools predict a benign effect of this variant on protein function (BP4), but to our knowledge these predictions have not been confirmed by functional assays. To our knowledge, this variant has not been reported in the literature in individuals with ALK-related neuroblastic tumor susceptibility. In summary, this variant meets criteria to be classified as of uncertain significance based on the ACMG/AMP criteria: BP4.